The following is an entry in ClinVar:

ClinVar aggregate classification (germline): Pathogenic. Review status: criteria provided, single submitter (1 of 4 stars). 2 submissions from 2 submitters: Pathogenic (1). 1 of the submissions does not count toward it. Last evaluated 2022-04-21.

Conditions:
Thrombophilia, X-linked, due to factor 9 defect. Identifiers: MedGen C2749016, MONDO:0010432, OMIM 300807.
Hereditary factor IX deficiency disease (HEMB). Also called: F9 DEFICIENCY; FACTOR IX DEFICIENCY; Hemophilia B; Christmas Disease; PLASMA THROMBOPLASTIN COMPONENT DEFICIENCY. Identifiers: Orphanet 98879, MedGen C0008533, MeSH D002836, MONDO:0010604, OMIM 306900.

Allele frequency attached by ClinVar (database versions not stated): TOPMed 0.00001.

Submissions (2):

Labcorp Genetics (formerly Invitae), Labcorp
Classification: Pathogenic for Thrombophilia, X-linked, due to factor 9 defect; Hereditary factor IX deficiency disease. Last evaluated: 2022-04-21. Review status: criteria provided, single submitter. Criteria: Invitae Variant Classification Sherloc (09022015). Collection method: clinical testing. Allele origin: germline.
Comment: ClinVar contains an entry for this variant (Variation ID: 10650). For these reasons, this variant has been classified as Pathogenic. Advanced modeling of protein sequence and biophysical properties (such as structural, functional, and spatial information, amino acid conservation, physicochemical variation, residue mobility, and thermodynamic stability) performed at Invitae indicates that this missense variant is expected to disrupt F9 protein function. This variant is also known as p.Ser365Gly. This missense change has been observed in individuals with hemophilia B (PMID: 1346975, 29296726, 32875744). This variant is not present in population databases (gnomAD no frequency). This sequence change replaces serine, which is neutral and polar, with glycine, which is neutral and non-polar, at codon 411 of the F9 protein (p.Ser411Gly).

OMIM
Classification: Pathogenic for HEMOPHILIA B. Last evaluated: 1992-03-01. Review status: no assertion criteria provided. Collection method: literature only. Allele origin: germline. Not counted in ClinVar's aggregate classification.

Literature cited by the submitters: PubMed 1346975 (cited by Labcorp Genetics (formerly Invitae), Labcorp and OMIM); PubMed 29296726 (cited by Labcorp Genetics (formerly Invitae), Labcorp); PubMed 32875744 (cited by Labcorp Genetics (formerly Invitae), Labcorp).

NM_000133.4(F9):c.1231A>G (p.Ser411Gly)

Gene: F9 (coagulation factor IX; plus strand). Cytogenetic location: Xq27.1.
Variant type: single nucleotide variant.
Coding change: c.1231A>G on transcript NM_000133.4 (MANE Select); coding-DNA position 1231, A replaced by G.
Protein change: p.Ser411Gly; replaces serine 411 with glycine.
Molecular consequence: missense variant.
Genome position (GRCh38, 1-based): chrX:139,561,916, A>G. VCF-style: chrX-139561916-A-G. GRCh37 (hg19) VCF-style: chrX-138644075-A-G.
Other names: F9, SER365GLY; S365G; c.1117A>G, p.Ser373Gly (NM_001313913.2); short protein forms S411G, S373G.
Identifiers: ClinVar variation 10650 (VCV000010650.5), dbSNP rs137852277, ClinGen allele CA255441.